The following is an entry in ClinVar:

NM_022124.6(CDH23):c.9319+3_9319+6del

Gene: CDH23 (cadherin related 23; plus strand). Cytogenetic location: 10q22.1.
Variant type: Deletion.
Coding change: c.9319+3_9319+6del on transcript NM_022124.6 (MANE Select); bases 3 to 6 of the intron after coding-DNA position 9319, 4 bases deleted (AAGT; older notation c.9319+3_9319+6delAAGT).
Molecular consequence: splice donor variant.
Genome position (GRCh38, 1-based): chr10:71,811,756-71,811,759, AAGT deleted; deleting any 4 consecutive bases within chr10:71,811,754-71,811,759 gives the same sequence; the c. name uses the placement nearest the transcript's 3' end. VCF-style (leftmost placement, unchanged base first): chr10-71811753-GGTAA-G. GRCh37 (hg19) VCF-style: chr10-73571510-GGTAA-G.
Other names: c.9319+3_9319+6delAAGT (NM_022124.6); c.2599+3_2599+6del (NM_001171933.1, NM_001171934.1).
Identifiers: ClinVar variation 2150636 (VCV002150636.4), dbSNP rs754198925, ClinGen allele CA5546972.

ClinVar aggregate classification (germline): Uncertain significance. Review status: criteria provided, multiple submitters, no conflicts (2 of 4 stars). 4 submissions from 4 submitters: Uncertain significance (4). Last evaluated 2024-05-26.

Conditions:
Usher syndrome type 1 (USH1). Also called: RETINITIS PIGMENTOSA AND CONGENITAL DEAFNESS. Identifiers: Orphanet 231169, Orphanet 886, MedGen C1568247, MONDO:0010168, OMIM 276900.

Submissions (4):

Women's Health and Genetics/Laboratory Corporation of America, LabCorp
Classification: Uncertain significance. Last evaluated: 2024-05-26. Review status: criteria provided, single submitter. Criteria: LabCorp Variant Classification Summary - May 2015. Collection method: clinical testing. Allele origin: germline.

Department of Pathology and Laboratory Medicine, Sinai Health System
Classification: Uncertain significance for Usher syndrome type 1. Last evaluated: 2023-05-11. Review status: criteria provided, single submitter. Criteria: ACMG Guidelines, 2015. Collection method: research. Allele origin: germline.

Blueprint Genetics
Classification: Uncertain significance. Last evaluated: 2022-05-05. Review status: criteria provided, single submitter. Criteria: ACMG Guidelines, 2015. Collection method: clinical testing. Allele origin: germline.

Labcorp Genetics (formerly Invitae), Labcorp
Classification: Uncertain significance. Last evaluated: 2020-02-25. Review status: criteria provided, single submitter. Criteria: Invitae Variant Classification Sherloc (09022015). Collection method: clinical testing. Allele origin: germline.
Comment: This sequence change falls in intron 65 of the CDH23 gene. It does not directly change the encoded amino acid sequence of the CDH23 protein, but it affects a nucleotide within the consensus splice site of the intron. The frequency data for this variant in the population databases is considered unreliable, as metrics indicate poor data quality at this position in the ExAC database. This variant has not been reported in the literature in individuals with CDH23-related conditions. Nucleotide substitutions within the consensus splice site are a relatively common cause of aberrant splicing (PMID: 17576681, 9536098). Algorithms developed to predict the effect of sequence changes on RNA splicing suggest that this variant may disrupt the consensus splice site, but this prediction has not been confirmed by published transcriptional studies. In summary, the available evidence is currently insufficient to determine the role of this variant in disease. Therefore, it has been classified as a Variant of Uncertain Significance.

Literature cited by the submitters: PubMed 17576681 (cited by Labcorp Genetics (formerly Invitae), Labcorp); PubMed 9536098 (cited by Labcorp Genetics (formerly Invitae), Labcorp).